The following is an entry in ClinVar:

NM_000059.4(BRCA2):c.2912dup (p.Leu971fs)

Gene: BRCA2 (BRCA2 DNA repair associated; plus strand). Cytogenetic location: 13q13.1.
Variant type: Duplication.
Coding change: c.2912dup on transcript NM_000059.4 (MANE Select); coding-DNA position 2912, one base duplicated (T; older notation c.2912dupT).
Protein change: p.Leu971fs; shifts the reading frame from leucine 971.
Molecular consequence: frameshift variant. On other transcripts: non-coding transcript variant (1), intron variant (2).
Genome position (GRCh38, 1-based): chr13:32,337,267, T duplicated; the last of 3 consecutive T bases (chr13:32,337,265-32,337,267); duplicating any one gives the same sequence. VCF-style (leftmost placement, unchanged base first): chr13-32337264-A-AT. GRCh37 (hg19) VCF-style: chr13-32911401-A-AT.
Other names: c.2912dup, p.Leu971fs (NM_001406719.1, NM_001406720.1, NM_001432077.1); c.1909+3880dup (NM_001406721.1); c.424+6237dup (NM_001406722.1); short protein forms L971fs.
Identifiers: ClinVar variation 3379128 (VCV003379128.1).

ClinVar aggregate classification (germline): Pathogenic (1 of 4 stars; one submission).

Conditions:
Breast-ovarian cancer, familial, susceptibility to, 2 (BROVCA2). Also called: BRCA2 Hereditary Breast and Ovarian Cancer. Identifiers: Orphanet 145, MedGen C2675520, MONDO:0012933, OMIM 612555. Disease mechanism: loss of function.

Submission:

Myriad Genetics, Inc.
Classification: Pathogenic for Breast-ovarian cancer, familial, susceptibility to, 2. Last evaluated: 2024-08-20. Review status: criteria provided, single submitter. Criteria: Myriad Autosomal Dominant, Autosomal Recessive and X-Linked Classification Criteria (2023). Collection method: clinical testing. Allele origin: unknown.
Comment: This variant is considered pathogenic. This variant creates a frameshift predicted to result in premature protein truncation.